The following is an entry in ClinVar:

ClinVar aggregate classification (germline): Uncertain significance. Review status: criteria provided, multiple submitters, no conflicts (2 of 4 stars). 3 submissions from 3 submitters: Uncertain significance (2). 1 of the submissions does not count toward it. Last evaluated 2026-06-16.

Conditions:
Hereditary cancer-predisposing syndrome. Also called: Tumor predisposition; Hereditary Cancer Syndrome; Hereditary neoplastic syndrome; Neoplastic Syndromes, Hereditary. Identifiers: Orphanet 140162, MedGen C0027672, MeSH D009386, MONDO:0015356.
Fumarase deficiency (FMRD). Also called: Fumarate Hydratase Deficiency; Fumaric aciduria. Identifiers: Orphanet 24, MedGen C0342770, MONDO:0011730, OMIM 606812.

Allele frequency attached by ClinVar (database versions not stated): gnomAD exomes below 0.00001.
gnomAD v4.1: 1 of 1,612,920 alleles (0.000062%); highest among the groups gnomAD compares: Non-Finnish European, 0.000085%; no homozygotes.

Submissions (3):

Ambry Genetics
Classification: Uncertain significance for Hereditary cancer-predisposing syndrome. Last evaluated: 2026-06-16. Review status: criteria provided, single submitter. Criteria: Ambry Variant Classification Scheme 2023. Collection method: clinical testing. Allele origin: germline.
Comment: The p.A124T variant (also known as c.370G>A), located in coding exon 3 of the FH gene, results from a G to A substitution at nucleotide position 370. The alanine at codon 124 is replaced by threonine, an amino acid with similar properties. This amino acid position is highly conserved in available vertebrate species. In addition, this alteration is predicted to be deleterious by in silico analysis. Based on the available evidence, the clinical significance of this variant remains unclear.

Labcorp Genetics (formerly Invitae), Labcorp
Classification: Uncertain significance. Last evaluated: 2023-04-28. Review status: criteria provided, single submitter. Criteria: Invitae Variant Classification Sherloc (09022015). Collection method: clinical testing. Allele origin: germline.
Comment: In summary, the available evidence is currently insufficient to determine the role of this variant in disease. Therefore, it has been classified as a Variant of Uncertain Significance. Advanced modeling of protein sequence and biophysical properties (such as structural, functional, and spatial information, amino acid conservation, physicochemical variation, residue mobility, and thermodynamic stability) performed at Invitae indicates that this missense variant is expected to disrupt FH protein function. ClinVar contains an entry for this variant (Variation ID: 1001323). This variant has not been reported in the literature in individuals affected with FH-related conditions. This variant is not present in population databases (gnomAD no frequency). This sequence change replaces alanine, which is neutral and non-polar, with threonine, which is neutral and polar, at codon 124 of the FH protein (p.Ala124Thr).

Natera, Inc.
Classification: Uncertain significance for Fumarase Deficiency. Last evaluated: 2020-11-05. Review status: no assertion criteria provided. Collection method: clinical testing. Allele origin: germline. Not counted in ClinVar's aggregate classification.

NM_000143.4(FH):c.370G>A (p.Ala124Thr)

Gene: FH (fumarate hydratase; minus strand). Cytogenetic location: 1q43.
Variant type: single nucleotide variant.
Coding change: c.370G>A on transcript NM_000143.4 (MANE Select); coding-DNA position 370, G replaced by A.
Protein change: p.Ala124Thr; replaces alanine 124 with threonine.
Molecular consequence: missense variant.
Genome position (GRCh38, 1-based): chr1:241,513,611, C>T on the plus strand (G>A on the coding strand, the complement: FH is on the minus strand). VCF-style: chr1-241513611-C-T. GRCh37 (hg19) VCF-style: chr1-241676911-C-T.
Other names: c.370G>A (NM_000143.3); short protein forms A124T.
Identifiers: ClinVar variation 1001323 (VCV001001323.14), dbSNP rs1660143983, ClinGen allele CA345440449.